The following is an entry in ClinVar:

NM_004329.3(BMPR1A):c.1586del (p.Asp529fs)

Gene: BMPR1A (bone morphogenetic protein receptor type 1A; plus strand). Cytogenetic location: 10q23.2.
Variant type: Deletion.
Coding change: c.1586del on transcript NM_004329.3 (MANE Select); coding-DNA position 1586, one base deleted (A; older notation c.1586delA).
Protein change: p.Asp529fs; shifts the reading frame from aspartic acid 529.
Molecular consequence: frameshift variant. On other transcripts: non-coding transcript variant (3).
Genome position (GRCh38, 1-based): chr10:86,923,706, A deleted. VCF-style (leftmost placement, unchanged base first): chr10-86923705-GA-G. GRCh37 (hg19) VCF-style: chr10-88683462-GA-G.
Other names: c.1586del, p.Asp529fs (NM_001406565.1, NM_001406566.1, NM_001406567.1 and 19 more transcripts); c.1580del, p.Asp527fs (NM_001406583.1); c.1502del, p.Asp501fs (NM_001406584.1, NM_001406585.1, NM_001406586.1 and 2 more transcripts); c.1244del, p.Asp415fs (NM_001406589.1); c.1661del, p.Asp554fs (NM_001406559.1); c.1634del, p.Asp545fs (NM_001406560.1); short protein forms D529fs, D545fs, D415fs, D554fs, D527fs, D501fs.
Identifiers: ClinVar variation 3481222 (VCV003481222.1).

ClinVar aggregate classification (germline): Uncertain significance (1 of 4 stars; one submission).

Conditions:
Hereditary cancer-predisposing syndrome. Also called: Tumor predisposition; Neoplastic Syndromes, Hereditary; Hereditary Cancer Syndrome; Hereditary neoplastic syndrome. Identifiers: Orphanet 140162, MedGen C0027672, MeSH D009386, MONDO:0015356.

Submission:

Ambry Genetics
Classification: Uncertain significance for Hereditary cancer-predisposing syndrome. Last evaluated: 2024-09-09. Review status: criteria provided, single submitter. Criteria: Ambry Variant Classification Scheme 2023. Collection method: clinical testing. Allele origin: germline.
Comment: The c.1586delA variant, located in coding exon 11 of the BMPR1A gene, results from a deletion of one nucleotide at nucleotide position 1586, causing a translational frameshift with a predicted alternate stop codon (p.D529Vfs*2). This alteration occurs at the 3' terminus of theBMPR1A gene, is not expected to trigger nonsense-mediated mRNAdecay, and only impacts the last 4 amino acids of the protein. The exact functional effect of this alteration is unknown. Based on the available evidence, the clinical significance of this variant remains unclear.